The following is an entry in ClinVar:

ClinVar aggregate classification (germline): Uncertain significance (1 of 4 stars; one submission).

Conditions:
Myofibrillar myopathy 4. Also called: Zaspopathy (type). Identifiers: Orphanet 98912, MedGen C4721886, MONDO:0012277, OMIM 609452.

Allele frequency attached by ClinVar (database versions not stated): gnomAD exomes below 0.00001; gnomAD 0.00001.
gnomAD v4.1: 6 of 1,612,188 alleles (0.00037%); highest among the groups gnomAD compares: African/African-American, 0.0013%; no homozygotes.

Submission:

Labcorp Genetics (formerly Invitae), Labcorp
Classification: Uncertain significance for Myofibrillar myopathy 4. Last evaluated: 2025-11-21. Review status: criteria provided, single submitter. Criteria: Invitae Variant Classification Sherloc (09022015). Collection method: clinical testing. Allele origin: germline.
Comment: The LDB3 gene has multiple clinically relevant transcripts. This variant occurs in alternate transcript NM_007078.3, and corresponds to NM_001080116.1:c.*26883G>A in the primary transcript. This sequence change falls in intron 13 of the LDB3 gene. It does not directly change the encoded amino acid sequence of the LDB3 protein. It affects a nucleotide within the consensus splice site. This variant is not present in population databases (gnomAD no frequency). This variant has not been reported in the literature in individuals affected with LDB3-related conditions. Variants that disrupt the consensus splice site are a relatively common cause of aberrant splicing (PMID: 17576681, 9536098). Experimental studies and prediction algorithms are not available or were not evaluated, and the effect of this variant on mRNA splicing is currently unknown. In summary, the available evidence is currently insufficient to determine the role of this variant in disease. Therefore, it has been classified as a Variant of Uncertain Significance.

Literature cited by the submitters: PubMed 17576681; PubMed 9536098.

NM_007078.3(LDB3):c.2094+5G>A

Gene: LDB3 (LIM domain binding 3; plus strand). Cytogenetic location: 10q23.2.
Variant type: single nucleotide variant.
Coding change: c.2094+5G>A on transcript NM_007078.3 (MANE Select); 5 bases into the intron after coding-DNA position 2094, G replaced by A.
Molecular consequence: intron variant.
Genome position (GRCh38, 1-based): chr10:86,726,257, G>A. VCF-style: chr10-86726257-G-A. GRCh37 (hg19) VCF-style: chr10-88486014-G-A.
Other names: c.1905+5G>A (NM_001368064.1, NM_001368065.1); c.2109+5G>A (NM_001171610.2); c.1953+5G>A (NM_001368066.1); c.1764+5G>A (NM_001080114.2).
Identifiers: ClinVar variation 1472235 (VCV001472235.6), dbSNP rs1847251877, ClinGen allele CA377458202.